The following is an entry in ClinVar:

NM_145020.5(CFAP53):c.115A>C (p.Arg39=)

Gene: CFAP53 (cilia and flagella associated protein 53; minus strand). Cytogenetic location: 18q21.1.
Variant type: single nucleotide variant.
Coding change: c.115A>C on transcript NM_145020.5 (MANE Select); coding-DNA position 115, A replaced by C.
Protein change: p.Arg39=; no amino-acid change (arginine 39 retained).
Molecular consequence: synonymous variant.
Genome position (GRCh38, 1-based): chr18:50,262,174, T>G on the plus strand (A>C on the coding strand, the complement: CFAP53 is on the minus strand). VCF-style: chr18-50262174-T-G. GRCh37 (hg19) VCF-style: chr18-47788544-T-G.
Identifiers: ClinVar variation 262550 (VCV000262550.41), dbSNP rs112087763, ClinGen allele CA8962506.

ClinVar aggregate classification (germline): Benign/Likely benign. Review status: criteria provided, multiple submitters, no conflicts (2 of 4 stars). 6 submissions from 6 submitters: Benign (1); Likely benign (3). 2 of the submissions do not count toward it. Last evaluated 2026-09-01.

Conditions:
Heterotaxy, visceral, 6, autosomal (HTX6). Also called: Heterotaxy, visceral, 6, autosomal recessive. Identifiers: Orphanet 450, MedGen C3553676, MONDO:0013887, OMIM 614779.

Allele frequency attached by ClinVar (database versions not stated): 1000 Genomes Project 30x 0.00094; 1000 Genomes Project 0.00120; ESP Exome Variant Server 0.00207; TOPMed 0.00220; gnomAD 0.00337; ExAC 0.00374; gnomAD exomes 0.00389 and 0.00408.
gnomAD v4.1: 6,413 of 1,614,224 alleles (0.4%); highest among the groups gnomAD compares: Non-Finnish European, 0.4%; 18 homozygotes.

Submissions (6):

CeGaT Center for Human Genetics Tuebingen
Classification: Likely benign. Last evaluated: 2026-09-01. Review status: criteria provided, single submitter. Criteria: CeGaT Center For Human Genetics Tuebingen Variant Classification Criteria Version 2. Collection method: clinical testing. Allele origin: germline. Affected: yes. Observed: 12 variant alleles.
Comment: CFAP53: BP4, BP7

Labcorp Genetics (formerly Invitae), Labcorp
Classification: Benign for Heterotaxy, visceral, 6, autosomal. Last evaluated: 2026-01-22. Review status: criteria provided, single submitter. Criteria: Invitae Variant Classification Sherloc (09022015). Collection method: clinical testing. Allele origin: germline.

Breakthrough Genomics
Classification: Likely benign. Review status: criteria provided, single submitter. Criteria: ACMG Guidelines, 2015. Collection method: not provided. Allele origin: germline. Inheritance: Autosomal recessive inheritance. Affected: yes.

PreventionGenetics, part of Exact Sciences
Classification: Likely benign. Review status: criteria provided, single submitter. Criteria: ACMG Guidelines, 2015. Collection method: clinical testing. Allele origin: germline.

Clinical Genetics DNA and cytogenetics Diagnostics Lab, Erasmus MC, Erasmus Medical Center
Classification: Likely benign. Review status: no assertion criteria provided. Collection method: clinical testing. Allele origin: germline. Affected: yes. Study: VKGL Data-share Consensus. Not counted in ClinVar's aggregate classification.

Genome Diagnostics Laboratory, University Medical Center Utrecht
Classification: Benign. Review status: no assertion criteria provided. Collection method: clinical testing. Allele origin: germline. Affected: yes. Study: VKGL Data-share Consensus. Not counted in ClinVar's aggregate classification.